The following is an entry in ClinVar:

NM_004998.4(MYO1E):c.1759A>G (p.Ile587Val)

Gene: MYO1E (myosin IE; minus strand). Cytogenetic location: 15q22.2.
Variant type: single nucleotide variant.
Coding change: c.1759A>G on transcript NM_004998.4 (MANE Select); coding-DNA position 1759, A replaced by G.
Protein change: p.Ile587Val; replaces isoleucine 587 with valine.
Molecular consequence: missense variant.
Genome position (GRCh38, 1-based): chr15:59,195,507, T>C on the plus strand (A>G on the coding strand, the complement: MYO1E is on the minus strand). VCF-style: chr15-59195507-T-C. GRCh37 (hg19) VCF-style: chr15-59487706-T-C.
Other names: short protein forms I587V.
Identifiers: ClinVar variation 2067019 (VCV002067019.1), dbSNP rs183502749, ClinGen allele CA7589505.
Genomic context (GRCh38, chr15:59,195,507, plus strand): 5'-GTTTCCCCCGATACCTGCTTTCCTCCCAGTCTCTGGGCTTCTTGGTTTCGTTTGGCTTGA[T>C]GCAGCGAATGTAGTGGGGCGTACATTTCATCAGGGTGCTCACAAGGTCATTGGCTTGTTT-3'
Protein context (NP_004989.2, residues 577-597): MKCTPHYIRC[Ile587Val]KPNETKKPRD

ClinVar aggregate classification (germline): Uncertain significance (1 of 4 stars; one submission).

Allele frequency attached by ClinVar (database versions not stated): 1000 Genomes Project 30x 0.00016.
gnomAD v4.1: 7 of 1,614,192 alleles (0.00043%); highest among the groups gnomAD compares: Admixed American, 0.0083%; 1 homozygote.

Submission:

Labcorp Genetics (formerly Invitae), Labcorp
Classification: Uncertain significance. Last evaluated: 2022-07-06. Review status: criteria provided, single submitter. Criteria: Invitae Variant Classification Sherloc (09022015). Collection method: clinical testing. Allele origin: germline.
Comment: This sequence change replaces isoleucine, which is neutral and non-polar, with valine, which is neutral and non-polar, at codon 587 of the MYO1E protein (p.Ile587Val). This variant is present in population databases (rs183502749, gnomAD 0.01%), including at least one homozygous and/or hemizygous individual. This variant has not been reported in the literature in individuals affected with MYO1E-related conditions. Algorithms developed to predict the effect of missense changes on protein structure and function are either unavailable or do not agree on the potential impact of this missense change (SIFT: "Deleterious"; PolyPhen-2: "Benign"; Align-GVGD: "Class C25"). In summary, the available evidence is currently insufficient to determine the role of this variant in disease. Therefore, it has been classified as a Variant of Uncertain Significance.